The following is an entry in ClinVar:

ClinVar aggregate classification (germline): Uncertain significance (1 of 4 stars; one submission).

Submission:

GeneDx
Classification: Uncertain significance. Last evaluated: 2025-05-20. Review status: criteria provided, single submitter. Criteria: GeneDx Variant Classification Process June 2021. Collection method: clinical testing. Allele origin: germline. Affected: yes.
Comment: Not observed at significant frequency in large population cohorts (gnomAD); In silico analysis suggests that this missense variant does not alter protein structure/function; Has not been previously published as pathogenic or benign to our knowledge

NM_024528.4(NKAP):c.86A>G (p.Lys29Arg)

Gene: NKAP (NFKB activating protein; minus strand). Cytogenetic location: Xq24.
Variant type: single nucleotide variant.
Coding change: c.86A>G on transcript NM_024528.4 (MANE Select); coding-DNA position 86, A replaced by G.
Protein change: p.Lys29Arg; replaces lysine 29 with arginine.
Molecular consequence: missense variant.
Genome position (GRCh38, 1-based): chrX:119,943,520, T>C on the plus strand (A>G on the coding strand, the complement: NKAP is on the minus strand). VCF-style: chrX-119943520-T-C. GRCh37 (hg19) VCF-style: chrX-119077483-T-C.
Other names: short protein forms K29R.
Identifiers: ClinVar variation 4531051 (VCV004531051.1).